The following is an entry in ClinVar:

NM_001845.6(COL4A1):c.1427G>A (p.Arg476Gln)

Gene: COL4A1 (collagen type IV alpha 1 chain; minus strand). Cytogenetic location: 13q34.
Variant type: single nucleotide variant.
Coding change: c.1427G>A on transcript NM_001845.6 (MANE Select); coding-DNA position 1427, G replaced by A.
Protein change: p.Arg476Gln; replaces arginine 476 with glutamine.
Molecular consequence: missense variant.
Genome position (GRCh38, 1-based): chr13:110,192,868, C>T on the plus strand (G>A on the coding strand, the complement: COL4A1 is on the minus strand). VCF-style: chr13-110192868-C-T. GRCh37 (hg19) VCF-style: chr13-110845215-C-T.
Other names: c.1427G>A, p.Arg476Gln (NM_001303110.2); short protein forms R476Q.
Identifiers: ClinVar variation 447158 (VCV000447158.8), dbSNP rs376673751, ClinGen allele CA7047939.

ClinVar aggregate classification (germline): Uncertain significance. Review status: criteria provided, multiple submitters, no conflicts (2 of 4 stars). 4 submissions from 4 submitters: Uncertain significance (4). Last evaluated 2025-06-11.

Conditions:
Microangiopathy and leukoencephalopathy, pontine, autosomal dominant. Also called: Pontine autosomal dominant microangiopathy with leukoencephalopathy; DEMENTIA, HEREDITARY MULTI-INFARCT, SWEDISH TYPE. Identifiers: Orphanet 477749, MedGen C5231411, MONDO:0032814, OMIM 618564.
Autosomal dominant familial hematuria-retinal arteriolar tortuosity-contractures syndrome. Also called: Angiopathy, hereditary, with nephropathy, aneurysms, and muscle cramps; Hereditary Angiopathy with Nephropathy, Aneurysms, and Muscle Cramps (HANAC) Syndrome. Identifiers: Orphanet 73229, MedGen C2673195, MONDO:0012726, OMIM 611773.
Brain small vessel disease 1 with or without ocular anomalies (BSVD1). Also called: PORENCEPHALY, TYPE 1, AUTOSOMAL DOMINANT; GOULD SYNDROME 1; Brain small vessel disease with or without ocular anomalies; BRAIN SMALL VESSEL DISEASE WITH HEMORRHAGE. Identifiers: Orphanet 2940, Orphanet 36383, Orphanet 99810, MedGen C4755307, MONDO:0008289, OMIM 175780.
Hemorrhage, intracerebral, susceptibility to (ICH). Also called: Stroke, hemorrhagic, susceptibility to. Identifiers: MedGen C3281105, MONDO:0100533, OMIM 614519.
Retinal arterial tortuosity. Also called: Retinal arteries, tortuosity of; RETINAL HEMORRHAGE WITH VASCULAR TORTUOSITY. Identifiers: Orphanet 75326, MedGen C0423401, MONDO:0008373, OMIM 180000, HP:0000631.
Inborn genetic diseases. Identifiers: MedGen C0950123, MeSH D030342.

Allele frequency attached by ClinVar (database versions not stated): ExAC 0.00001; gnomAD exomes 0.00003; TOPMed 0.00005; gnomAD 0.00006; ESP Exome Variant Server 0.00015.
gnomAD v4.1: 27 of 1,613,954 alleles (0.0017%); highest among the groups gnomAD compares: African/African-American, 0.012%; no homozygotes.

Submissions (4):

Labcorp Genetics (formerly Invitae), Labcorp
Classification: Uncertain significance. Last evaluated: 2025-06-11. Review status: criteria provided, single submitter. Criteria: Invitae Variant Classification Sherloc (09022015). Collection method: clinical testing. Allele origin: germline.
Comment: This sequence change replaces arginine, which is basic and polar, with glutamine, which is neutral and polar, at codon 476 of the COL4A1 protein (p.Arg476Gln). This variant is present in population databases (rs376673751, gnomAD 0.009%). This variant has not been reported in the literature in individuals affected with COL4A1-related conditions. ClinVar contains an entry for this variant (Variation ID: 447158). Invitae Evidence Modeling of protein sequence and biophysical properties (such as structural, functional, and spatial information, amino acid conservation, physicochemical variation, residue mobility, and thermodynamic stability) indicates that this missense variant is not expected to disrupt COL4A1 protein function with a negative predictive value of 95%. In summary, the available evidence is currently insufficient to determine the role of this variant in disease. Therefore, it has been classified as a Variant of Uncertain Significance.

Ambry Genetics
Classification: Uncertain significance for Inborn genetic diseases. Last evaluated: 2022-12-29. Review status: criteria provided, single submitter. Criteria: Ambry Variant Classification Scheme 2023. Collection method: clinical testing. Allele origin: germline.

Fulgent Genetics
Classification: Uncertain significance for Brain small vessel disease 1 with or without ocular anomalies; Retinal arterial tortuosity; Autosomal dominant familial hematuria-retinal arteriolar tortuosity-contractures syndrome; Hemorrhage, intracerebral, susceptibility to; Microangiopathy and leukoencephalopathy, pontine, autosomal dominant. Last evaluated: 2021-12-08. Review status: criteria provided, single submitter. Criteria: ACMG Guidelines, 2015. Collection method: clinical testing. Allele origin: unknown.

Athena Diagnostics
Classification: Uncertain significance. Last evaluated: 2016-09-01. Review status: criteria provided, single submitter. Criteria: Athena Diagnostics Criteria. Collection method: clinical testing. Allele origin: germline.